The following is an entry in ClinVar:

NM_005883.3(APC2):c.6401G>C (p.Arg2134Pro)

Gene: APC2 (APC regulator of WNT signaling pathway 2; plus strand). Cytogenetic location: 19p13.3.
Variant type: single nucleotide variant.
Coding change: c.6401G>C on transcript NM_005883.3 (MANE Select); coding-DNA position 6401, G replaced by C.
Protein change: p.Arg2134Pro; replaces arginine 2134 with proline.
Molecular consequence: missense variant.
Genome position (GRCh38, 1-based): chr19:1,469,702, G>C. VCF-style: chr19-1469702-G-C. GRCh37 (hg19) VCF-style: chr19-1469701-G-C.
Other names: c.6398G>C, p.Arg2133Pro (NM_001351273.1); short protein forms R2133P, R2134P.
Identifiers: ClinVar variation 2228631 (VCV002228631.2), dbSNP rs757123274, ClinGen allele CA9046148.

ClinVar aggregate classification (germline): Uncertain significance (1 of 4 stars; one submission).

Conditions:
Inborn genetic diseases. Identifiers: MedGen C0950123, MeSH D030342.

Allele frequency attached by ClinVar (database versions not stated): ExAC 0.00040.
gnomAD v4.1: 7 of 1,378,558 alleles (0.00051%); highest among the groups gnomAD compares: South Asian, 0.0098%; no homozygotes.

Submission:

Ambry Genetics
Classification: Uncertain significance for Inborn genetic diseases. Last evaluated: 2021-02-19. Review status: criteria provided, single submitter. Criteria: Ambry Variant Classification Scheme 2023. Collection method: clinical testing. Allele origin: germline.
Comment: The c.6401G>C (p.R2134P) alteration is located in exon 15 (coding exon 14) of the APC2 gene. This alteration results from a G to C substitution at nucleotide position 6401, causing the arginine (R) at amino acid position 2134 to be replaced by a proline (P). The p.R2134P alteration is predicted to be tolerated by in silico analysis. Based on insufficient or conflicting evidence, the clinical significance of this alteration remains unclear.